The following is an entry in ClinVar:

ClinVar aggregate classification (germline): Uncertain significance. Review status: criteria provided, single submitter (1 of 4 stars). 2 submissions from 2 submitters: Uncertain significance (1). 1 of the submissions does not count toward it. Last evaluated 2023-04-13.

Conditions:
SCARB2-related disorder. Also called: SCARB2-related condition.
Inborn genetic diseases. Identifiers: MedGen C0950123, MeSH D030342.

Allele frequency attached by ClinVar (database versions not stated): gnomAD exomes below 0.00001; TOPMed below 0.00001.
gnomAD v4.1: 3 of 1,610,770 alleles (0.00019%); highest among the groups gnomAD compares: African/African-American, 0.004%; no homozygotes.

Submissions (2):

Ambry Genetics
Classification: Uncertain significance for Inborn genetic diseases. Last evaluated: 2023-04-13. Review status: criteria provided, single submitter. Criteria: Ambry Variant Classification Scheme 2023. Collection method: clinical testing. Allele origin: germline.

PreventionGenetics, part of Exact Sciences
Classification: Uncertain significance for SCARB2-related condition. Last evaluated: 2024-02-21. Review status: no assertion criteria provided. Collection method: clinical testing. Allele origin: germline. Not counted in ClinVar's aggregate classification.
Comment: The SCARB2 c.634G>A variant is predicted to result in the amino acid substitution p.Asp212Asn. To our knowledge, this variant has not been reported in the literature or in a large population database, indicating this variant is rare. At this time, the clinical significance of this variant is uncertain due to the absence of conclusive functional and genetic evidence.

NM_005506.4(SCARB2):c.634G>A (p.Asp212Asn)

Gene: SCARB2 (scavenger receptor class B member 2; minus strand). Cytogenetic location: 4q21.1.
Variant type: single nucleotide variant.
Coding change: c.634G>A on transcript NM_005506.4 (MANE Select); coding-DNA position 634, G replaced by A.
Protein change: p.Asp212Asn; replaces aspartic acid 212 with asparagine.
Molecular consequence: missense variant. On other transcripts: intron variant (1).
Genome position (GRCh38, 1-based): chr4:76,176,507, C>T on the plus strand (G>A on the coding strand, the complement: SCARB2 is on the minus strand). VCF-style: chr4-76176507-C-T. GRCh37 (hg19) VCF-style: chr4-77097660-C-T.
Other names: c.276-597G>A (NM_001204255.2); short protein forms D212N.
Identifiers: ClinVar variation 2569906 (VCV002569906.4), dbSNP rs1021169244, ClinGen allele CA357316602.